The following is an entry in ClinVar:

ClinVar aggregate classification (germline): Uncertain significance. Review status: criteria provided, multiple submitters, no conflicts (2 of 4 stars). 3 submissions from 3 submitters: Uncertain significance (3). Last evaluated 2026-08-08.

Conditions:
Familial thoracic aortic aneurysm and aortic dissection (TAAD). Also called: Thoracic aortic aneurysms and dissections. Identifiers: Orphanet 91387, MedGen C4707243, MONDO:0019625.
Ehlers-Danlos syndrome, kyphoscoliotic type 1 (EDSKSCL1). Also called: EHLERS-DANLOS SYNDROME, TYPE VIA; Ehlers-Danlos syndrome, hydroxylysine-deficient; EHLERS-DANLOS SYNDROME, OCULAR-SCOLIOTIC TYPE; PLOD1-Related Kyphoscoliotic Ehlers-Danlos Syndrome. Identifiers: Orphanet 1900, MedGen C0268342, MONDO:0016002, OMIM 225400. Disease mechanism: loss of function.

Allele frequency attached by ClinVar (database versions not stated): ExAC 0.00008; gnomAD exomes 0.00001.
gnomAD v4.1: 8 of 1,537,184 alleles (0.00052%); highest among the groups gnomAD compares: South Asian, 0.0084%; no homozygotes.

Submissions (3):

Ambry Genetics
Classification: Uncertain significance for Familial thoracic aortic aneurysm and aortic dissection. Last evaluated: 2026-08-08. Review status: criteria provided, single submitter. Criteria: Ambry Variant Classification Scheme 2023. Collection method: clinical testing. Allele origin: germline.
Comment: The p.E25A variant (also known as c.74A>C), located in coding exon 1 of the PLOD1 gene, results from an A to C substitution at nucleotide position 74. The glutamic acid at codon 25 is replaced by alanine, an amino acid with dissimilar properties. This amino acid position is conserved. In addition, this alteration is predicted to be tolerated by in silico analysis. Based on the available evidence, the clinical significance of this variant remains unclear.

Labcorp Genetics (formerly Invitae), Labcorp
Classification: Uncertain significance for Ehlers-Danlos syndrome, kyphoscoliotic type 1. Last evaluated: 2022-07-12. Review status: criteria provided, single submitter. Criteria: Invitae Variant Classification Sherloc (09022015). Collection method: clinical testing. Allele origin: germline.
Comment: This sequence change replaces glutamic acid, which is acidic and polar, with alanine, which is neutral and non-polar, at codon 25 of the PLOD1 protein (p.Glu25Ala). This variant is not present in population databases (gnomAD no frequency). This variant has not been reported in the literature in individuals affected with PLOD1-related conditions. ClinVar contains an entry for this variant (Variation ID: 1311895). Algorithms developed to predict the effect of missense changes on protein structure and function (SIFT, PolyPhen-2, Align-GVGD) all suggest that this variant is likely to be tolerated. In summary, the available evidence is currently insufficient to determine the role of this variant in disease. Therefore, it has been classified as a Variant of Uncertain Significance.

GeneDx
Classification: Uncertain significance. Last evaluated: 2021-06-16. Review status: criteria provided, single submitter. Criteria: GeneDx Variant Classification Process June 2021. Collection method: clinical testing. Allele origin: germline. Affected: yes.
Comment: Not observed at significant frequency in large population cohorts (Lek et al., 2016); In silico analysis, which includes protein predictors and evolutionary conservation, supports that this variant does not alter protein structure/function; Has not been previously published as pathogenic or benign to our knowledge; This variant is associated with the following publications: (PMID: 27535533)

NM_000302.4(PLOD1):c.74A>C (p.Glu25Ala)

Gene: PLOD1 (procollagen-lysine,2-oxoglutarate 5-dioxygenase 1; plus strand). Cytogenetic location: 1p36.22.
Variant type: single nucleotide variant.
Coding change: c.74A>C on transcript NM_000302.4 (MANE Select); coding-DNA position 74, A replaced by C.
Protein change: p.Glu25Ala; replaces glutamic acid 25 with alanine.
Molecular consequence: missense variant.
Genome position (GRCh38, 1-based): chr1:11,934,853, A>C. VCF-style: chr1-11934853-A-C. GRCh37 (hg19) VCF-style: chr1-11994910-A-C.
Other names: c.74A>C, p.Glu25Ala (NM_001316320.2); short protein forms E25A.
Identifiers: ClinVar variation 1311895 (VCV001311895.5), dbSNP rs774044489, ClinGen allele CA597712.